The following is an entry in ClinVar:

NM_024409.4(NPPC):c.209G>T (p.Arg70Leu)

Gene: NPPC (natriuretic peptide C; minus strand). Cytogenetic location: 2q37.1.
Variant type: single nucleotide variant.
Coding change: c.209G>T on transcript NM_024409.4 (MANE Select); coding-DNA position 209, G replaced by T.
Protein change: p.Arg70Leu; replaces arginine 70 with leucine.
Molecular consequence: missense variant.
Genome position (GRCh38, 1-based): chr2:231,925,597, C>A on the plus strand (G>T on the coding strand, the complement: NPPC is on the minus strand). VCF-style: chr2-231925597-C-A. GRCh37 (hg19) VCF-style: chr2-232790307-C-A.
Other names: short protein forms R70L.
Identifiers: ClinVar variation 3649218 (VCV003649218.2).

ClinVar aggregate classification (germline): Uncertain significance (1 of 4 stars; one submission).

Submission:

Labcorp Genetics (formerly Invitae), Labcorp
Classification: Uncertain significance. Last evaluated: 2024-04-08. Review status: criteria provided, single submitter. Criteria: Invitae Variant Classification Sherloc (09022015). Collection method: clinical testing. Allele origin: germline.
Comment: This sequence change replaces arginine, which is basic and polar, with leucine, which is neutral and non-polar, at codon 70 of the NPPC protein (p.Arg70Leu). This variant is not present in population databases (gnomAD no frequency). This variant has not been reported in the literature in individuals affected with NPPC-related conditions. An algorithm developed to predict the effect of missense changes on protein structure and function (PolyPhen-2) suggests that this variant is likely to be tolerated. In summary, the available evidence is currently insufficient to determine the role of this variant in disease. Therefore, it has been classified as a Variant of Uncertain Significance.